The following is an entry in ClinVar:

NM_198576.4(AGRN):c.4879+4G>A

Gene: AGRN (agrin; plus strand). Cytogenetic location: 1p36.33.
Variant type: single nucleotide variant.
Coding change: c.4879+4G>A on transcript NM_198576.4 (MANE Select); 4 bases into the intron after coding-DNA position 4879, G replaced by A.
Molecular consequence: intron variant.
Genome position (GRCh38, 1-based): chr1:1,050,041, G>A. VCF-style: chr1-1050041-G-A. GRCh37 (hg19) VCF-style: chr1-985421-G-A.
Other names: c.4879+4G>A (NM_001305275.2); c.4564+4G>A (NM_001364727.2).
Identifiers: ClinVar variation 857093 (VCV000857093.7), dbSNP rs746457706, ClinGen allele CA509670.

ClinVar aggregate classification (germline): Uncertain significance. Review status: criteria provided, multiple submitters, no conflicts (2 of 4 stars). 2 submissions from 2 submitters: Uncertain significance (2). Last evaluated 2026-05-01.

Conditions:
Congenital myasthenic syndrome 8. Also called: MYASTHENIC SYNDROME, CONGENITAL, DUE TO AGRIN DEFICIENCY; Myasthenic syndrome, congenital, 8, with pre- and postsynaptic defects. Identifiers: Orphanet 590, MedGen C3808739, MONDO:0014052, OMIM 615120.

Allele frequency attached by ClinVar (database versions not stated): ExAC below 0.00001; gnomAD exomes 0.00002; TOPMed 0.00009; gnomAD 0.00011; 1000 Genomes Project 30x 0.00031.
gnomAD v4.1: 46 of 1,563,334 alleles (0.0029%); highest among the groups gnomAD compares: African/African-American, 0.04%; no homozygotes.

Submissions (2):

CeGaT Center for Human Genetics Tuebingen
Classification: Uncertain significance. Last evaluated: 2026-05-01. Review status: criteria provided, single submitter. Criteria: CeGaT Center For Human Genetics Tuebingen Variant Classification Criteria Version 2. Collection method: clinical testing. Allele origin: germline. Affected: yes. Observed: 1 variant allele.
Comment: AGRN: PM2, BP4

Labcorp Genetics (formerly Invitae), Labcorp
Classification: Uncertain significance for Congenital myasthenic syndrome 8. Last evaluated: 2022-07-26. Review status: criteria provided, single submitter. Criteria: Invitae Variant Classification Sherloc (09022015). Collection method: clinical testing. Allele origin: germline.
Comment: This sequence change falls in intron 27 of the AGRN gene. It does not directly change the encoded amino acid sequence of the AGRN protein. It affects a nucleotide within the consensus splice site. The frequency data for this variant in the population databases is considered unreliable, as metrics indicate poor data quality at this position in the gnomAD database. This variant has not been reported in the literature in individuals affected with AGRN-related conditions. ClinVar contains an entry for this variant (Variation ID: 857093). Variants that disrupt the consensus splice site are a relatively common cause of aberrant splicing (PMID: 17576681, 9536098). Algorithms developed to predict the effect of sequence changes on RNA splicing suggest that this variant may create or strengthen a splice site. In summary, the available evidence is currently insufficient to determine the role of this variant in disease. Therefore, it has been classified as a Variant of Uncertain Significance.

Literature cited by the submitters: PubMed 17576681 (cited by Labcorp Genetics (formerly Invitae), Labcorp); PubMed 9536098 (cited by Labcorp Genetics (formerly Invitae), Labcorp).